The following is an entry in ClinVar:

ClinVar aggregate classification (germline): Uncertain significance (1 of 4 stars; one submission).

Submission:

GeneDx
Classification: Uncertain significance. Last evaluated: 2025-08-09. Review status: criteria provided, single submitter. Criteria: GeneDx Variant Classification Process June 2021. Collection method: clinical testing. Allele origin: germline. Affected: yes.
Comment: Not observed at significant frequency in large population cohorts (gnomAD); In silico analysis supports that this missense variant has a deleterious effect on protein structure/function; Has not been previously published as pathogenic or benign to our knowledge

NM_006445.4(PRPF8):c.4325T>C (p.Phe1442Ser)

Gene: PRPF8 (pre-mRNA processing factor 8; minus strand). Cytogenetic location: 17p13.3.
Variant type: single nucleotide variant.
Coding change: c.4325T>C on transcript NM_006445.4 (MANE Select); coding-DNA position 4325, T replaced by C.
Protein change: p.Phe1442Ser; replaces phenylalanine 1442 with serine.
Molecular consequence: missense variant.
Genome position (GRCh38, 1-based): chr17:1,661,284, A>G on the plus strand (T>C on the coding strand, the complement: PRPF8 is on the minus strand). VCF-style: chr17-1661284-A-G. GRCh37 (hg19) VCF-style: chr17-1564578-A-G.
Other names: short protein forms F1442S.
Identifiers: ClinVar variation 4755830 (VCV004755830.1).